The following is an entry in ClinVar:

NM_002230.4(JUP):c.2114A>T (p.Tyr705Phe)

Gene: JUP (junction plakoglobin; minus strand). Cytogenetic location: 17q21.2.
Variant type: single nucleotide variant.
Coding change: c.2114A>T on transcript NM_002230.4 (MANE Select); coding-DNA position 2114, A replaced by T.
Protein change: p.Tyr705Phe; replaces tyrosine 705 with phenylalanine.
Molecular consequence: missense variant.
Genome position (GRCh38, 1-based): chr17:41,755,868, T>A on the plus strand (A>T on the coding strand, the complement: JUP is on the minus strand). VCF-style: chr17-41755868-T-A. GRCh37 (hg19) VCF-style: chr17-39912120-T-A.
Other names: c.2114A>T, p.Tyr705Phe (NM_001352773.2, NM_001352774.2, NM_001352775.2 and 3 more transcripts); short protein forms Y705F.
Identifiers: ClinVar variation 2132265 (VCV002132265.4), dbSNP rs2544008622, ClinGen allele CA399490718.

ClinVar aggregate classification (germline): Uncertain significance (1 of 4 stars; one submission).

Conditions:
Arrhythmogenic right ventricular dysplasia 12. Also called: ARRHYTHMOGENIC RIGHT VENTRICULAR DYSPLASIA, FAMILIAL, 12. Identifiers: MedGen C1969081, MONDO:0012684, OMIM 611528.
Naxos disease (NXD). Also called: WOOLLY HAIR, PALMOPLANTAR KERATODERMA, AND CARDIAC ABNORMALITIES; CARDIOMYOPATHY, ARRHYTHMOGENIC RIGHT VENTRICULAR, WITH SKIN, HAIR, AND NAIL ABNORMALITIES; MAL DE NAXOS; PALMOPLANTAR KERATODERMA WITH ARRHYTHMOGENIC RIGHT VENTRICULAR CARDIOMYOPATHY AND WOOLLY HAIR; KERATOSIS PALMOPLANTARIS WITH ARRHYTHMOGENIC CARDIOMYOPATHY. Identifiers: Orphanet 34217, MedGen C1832600, MONDO:0011017, OMIM 601214.

Submission:

Labcorp Genetics (formerly Invitae), Labcorp
Classification: Uncertain significance for Arrhythmogenic right ventricular dysplasia 12; Naxos disease. Last evaluated: 2023-04-20. Review status: criteria provided, single submitter. Criteria: Invitae Variant Classification Sherloc (09022015). Collection method: clinical testing. Allele origin: germline.
Comment: This variant has not been reported in the literature in individuals affected with JUP-related conditions. In summary, the available evidence is currently insufficient to determine the role of this variant in disease. Therefore, it has been classified as a Variant of Uncertain Significance. Algorithms developed to predict the effect of sequence changes on RNA splicing suggest that this variant may create or strengthen a splice site. An algorithm developed to predict the effect of missense changes on protein structure and function (PolyPhen-2) suggests that this variant is likely to be tolerated. ClinVar contains an entry for this variant (Variation ID: 2132265). This variant is not present in population databases (gnomAD no frequency). This sequence change replaces tyrosine, which is neutral and polar, with phenylalanine, which is neutral and non-polar, at codon 705 of the JUP protein (p.Tyr705Phe).